The following is an entry in ClinVar:

ClinVar aggregate classification (germline): Uncertain significance (1 of 4 stars; one submission).

Conditions:
Intellectual developmental disorder, X-linked 1. Also called: Atkin Flaitz Patil Smith syndrome; MENTAL RETARDATION, X-LINKED 18; MENTAL RETARDATION, X-LINKED 78; Intellectual disability, X-linked 1. Identifiers: Orphanet 777, MedGen C2931498, MONDO:0010656, OMIM 309530.

gnomAD v4.1: 1 of 1,165,408 alleles (0.000086%); highest among the groups gnomAD compares: Non-Finnish European, 0.00011%; no homozygotes.

Submission:

Labcorp Genetics (formerly Invitae), Labcorp
Classification: Uncertain significance for Intellectual developmental disorder, X-linked 1. Last evaluated: 2025-12-15. Review status: criteria provided, single submitter. Criteria: Invitae Variant Classification Sherloc (09022015). Collection method: clinical testing. Allele origin: germline.
Comment: This sequence change replaces glycine, which is neutral and non-polar, with serine, which is neutral and polar, at codon 216 of the IQSEC2 protein (p.Gly216Ser). This variant is not present in population databases (gnomAD no frequency). This variant has not been reported in the literature in individuals affected with IQSEC2-related conditions. Invitae Evidence Modeling of protein sequence and biophysical properties (such as structural, functional, and spatial information, amino acid conservation, physicochemical variation, residue mobility, and thermodynamic stability) indicates that this missense variant is not expected to disrupt IQSEC2 protein function with a negative predictive value of 95%. In summary, the available evidence is currently insufficient to determine the role of this variant in disease. Therefore, it has been classified as a Variant of Uncertain Significance.

NM_001111125.3(IQSEC2):c.646G>A (p.Gly216Ser)

Gene: IQSEC2 (IQ motif and Sec7 domain ArfGEF 2; minus strand). Cytogenetic location: Xp11.22.
Variant type: single nucleotide variant.
Coding change: c.646G>A on transcript NM_001111125.3 (MANE Select); coding-DNA position 646, G replaced by A.
Protein change: p.Gly216Ser; replaces glycine 216 with serine.
Molecular consequence: missense variant.
Genome position (GRCh38, 1-based): chrX:53,320,478, C>T on the plus strand (G>A on the coding strand, the complement: IQSEC2 is on the minus strand). VCF-style: chrX-53320478-C-T. GRCh37 (hg19) VCF-style: chrX-53349676-C-T.
Other names: c.646G>A, p.Gly216Ser (NM_001410736.1, NM_001441092.1); short protein forms G216S.
Identifiers: ClinVar variation 4809945 (VCV004809945.1).